The following is an entry in ClinVar:

NM_001267550.2(TTN):c.105161del (p.Pro35054fs)

Genes: TTN (titin; minus strand), TTN-AS1 (TTN antisense RNA 1; plus strand), LOC129935185 (ATAC-STARR-seq lymphoblastoid active region 16810; plus strand). Cytogenetic location: 2q31.2.
Variant type: Deletion.
Coding change: c.105161del on transcript NM_001267550.2 (MANE Select); coding-DNA position 105161, one base deleted (C; older notation c.105161delC).
Protein change: p.Pro35054fs; shifts the reading frame from proline 35054.
Molecular consequence: frameshift variant.
Genome position (GRCh38, 1-based): chr2:178,531,454, G deleted on the plus strand (C on the coding strand, the reverse complement: TTN is on the minus strand); the first of 3 consecutive G bases (chr2:178,531,454-178,531,456); deleting any one gives the same sequence. VCF-style (leftmost placement, unchanged base first): chr2-178531453-AG-A. GRCh37 (hg19) VCF-style: chr2-179396180-AG-A.
Other names: c.77966delC (NM_003319.4); c.100238del, p.Pro33413fs (NM_001256850.1); c.77966del, p.Pro25989fs (NM_003319.4); c.97457del, p.Pro32486fs (NM_133378.4); c.78341del, p.Pro26114fs (NM_133432.3); c.78542del, p.Pro26181fs (NM_133437.4); short protein forms P26114fs, P32486fs, P26181fs, P25989fs, P33413fs, P35054fs.
Identifiers: ClinVar variation 1760654 (VCV001760654.8), dbSNP rs1689079381, ClinGen allele CA1039708290.

ClinVar aggregate classification (germline): Likely pathogenic. Review status: criteria provided, multiple submitters, no conflicts (2 of 4 stars). 2 submissions from 2 submitters: Likely pathogenic (2). Last evaluated 2024-07-17.

Conditions:
Autosomal recessive limb-girdle muscular dystrophy type 2J (LGMDR10). Also called: Limb-girdle muscular dystrophy, type 2J; MUSCULAR DYSTROPHY, LIMB-GIRDLE, AUTOSOMAL RECESSIVE 10. Identifiers: Orphanet 140922, MedGen C1837342, MONDO:0012127, OMIM 608807.
Dilated cardiomyopathy 1G (CMD1G). Identifiers: Orphanet 154, MedGen C1858763, MONDO:0011400, OMIM 604145.
Cardiovascular phenotype. Identifiers: MedGen CN230736.

Submissions (2):

Ambry Genetics
Classification: Likely pathogenic for Cardiovascular phenotype. Last evaluated: 2024-07-17. Review status: criteria provided, single submitter. Criteria: Ambry Variant Classification Scheme 2023. Collection method: clinical testing. Allele origin: germline.
Comment: The c.77966delC variant, located in coding exon 185 of the TTN gene, results from a deletion of one nucleotide at nucleotide position 77966, causing a translational frameshift with a predicted alternate stop codon (p.P25989Lfs*3). This exon is located in the M-band region of the N2-B isoform of the titin protein and is constitutively expressed in TTN transcripts (percent spliced in or PSI 100%). This variant is considered to be rare based on population cohorts in the Genome Aggregation Database (gnomAD). This alteration is expected to result in loss of function by premature protein truncation or nonsense-mediated mRNA decay. While truncating variants in TTN are present in 1-3% of the general population, truncating variants in the M-band have been reported in association with autosomal recessive titinopathies, primarily presenting with skeletal myopathy phenotypes (Ceyhan-Birsoy O et al. Neurology. 2013 Oct 1;81(14):1205-14; De Cid R et al. Neurology. 2015;85(24):2126-35). In addition, regardless of their position, TTN truncating variants encoded in constitutive exons (PSI >90%) have been found to be significantly associated with dilated cardiomyopathy (DCM), though truncating variants in the A-band are the most common cause of DCM (Herman DS et al. N. Engl. J. Med., 2012 Feb;366:619-28; Roberts AM et al. Sci Transl Med, 2015 Jan;7:270ra6; Schafer S et al. Nat. Genet., 2017 01;49:46-53). Based on the majority of available evidence to date, this variant is likely to be pathogenic in association with autosomal recessive titinopathy; however, the clinical significance of this alteration with respect to cardiomyopathy remains unclear.

Labcorp Genetics (formerly Invitae), Labcorp
Classification: Likely pathogenic for Dilated cardiomyopathy 1G; Autosomal recessive limb-girdle muscular dystrophy type 2J. Last evaluated: 2024-03-04. Review status: criteria provided, single submitter. Criteria: Invitae Variant Classification Sherloc (09022015). Collection method: clinical testing. Allele origin: germline.
Comment: This sequence change creates a premature translational stop signal (p.Pro35054Leufs*3) in the TTN gene. While this is not anticipated to result in nonsense mediated decay, it is expected to create a truncated TTN protein. This variant is not present in population databases (gnomAD no frequency). This variant has not been reported in the literature in individuals affected with TTN-related conditions. ClinVar contains an entry for this variant (Variation ID: 1760654). This variant is located in the M band of TTN (PMID: 25589632). Truncating variants in this region have been previously reported in individuals affected with autosomal recessive myopathy and muscular dystrophy (PMID: 18948003, 23975875, 24395473). Truncating variants in this region have also been identified in individuals affected with autosomal dominant dilated cardiomyopathy and/or cardio-related conditions (PMID: 27869827, 32964742, Invitae internal data). In summary, the currently available evidence indicates that the variant is pathogenic, but additional data are needed to prove that conclusively. Therefore, this variant has been classified as Likely Pathogenic.

Literature cited by the submitters: PubMed 25589632 (cited by Labcorp Genetics (formerly Invitae), Labcorp); PubMed 18948003 (cited by Labcorp Genetics (formerly Invitae), Labcorp); PubMed 23975875 (cited by Labcorp Genetics (formerly Invitae), Labcorp); PubMed 24395473 (cited by Labcorp Genetics (formerly Invitae), Labcorp); PubMed 27869827 (cited by Labcorp Genetics (formerly Invitae), Labcorp); PubMed 32964742 (cited by Labcorp Genetics (formerly Invitae), Labcorp).